The following is an entry in ClinVar:

NM_000053.4(ATP7B):c.3501C>T (p.Asp1167=)

Gene: ATP7B (ATPase copper transporting beta; minus strand). Cytogenetic location: 13q14.3.
Variant type: single nucleotide variant.
Coding change: c.3501C>T on transcript NM_000053.4 (MANE Select); coding-DNA position 3501, C replaced by T.
Protein change: p.Asp1167=; no amino-acid change (aspartic acid 1167 retained).
Molecular consequence: synonymous variant.
Genome position (GRCh38, 1-based): chr13:51,941,136, G>A on the plus strand (C>T on the coding strand, the complement: ATP7B is on the minus strand). VCF-style: chr13-51941136-G-A. GRCh37 (hg19) VCF-style: chr13-52515272-G-A.
Other names: c.2880C>T, p.Asp960= (NM_001005918.3); c.3168C>T, p.Asp1056= (NM_001243182.2); c.3267C>T, p.Asp1089= (NM_001330578.2); c.3249C>T, p.Asp1083= (NM_001330579.2).
Identifiers: ClinVar variation 1097373 (VCV001097373.13), dbSNP rs763963568, ClinGen allele CA6988673.

ClinVar aggregate classification (germline): Likely benign. Review status: criteria provided, multiple submitters, no conflicts (2 of 4 stars). 5 submissions from 5 submitters: Likely benign (5). Last evaluated 2025-12-14.

Conditions:
Wilson disease (WND). Also called: Wilson's disease. Identifiers: Orphanet 905, MedGen C0019202, MONDO:0010200, OMIM 277900. Disease mechanism: loss of function.
Inborn genetic diseases. Identifiers: MedGen C0950123, MeSH D030342.

Allele frequency attached by ClinVar (database versions not stated): TOPMed 0.00001; ExAC 0.00002; gnomAD 0.00002 and 0.00003; gnomAD exomes 0.00002 and 0.00003.
gnomAD v4.1: 42 of 1,614,024 alleles (0.0026%); highest among the groups gnomAD compares: East Asian, 0.0067%; no homozygotes.

Submissions (5):

Labcorp Genetics (formerly Invitae), Labcorp
Classification: Likely benign for Wilson disease. Last evaluated: 2025-12-14. Review status: criteria provided, single submitter. Criteria: Invitae Variant Classification Sherloc (09022015). Collection method: clinical testing. Allele origin: germline.

All of Us Research Program, National Institutes of Health
Classification: Likely benign for Wilson disease. Last evaluated: 2023-12-13. Review status: criteria provided, single submitter. Criteria: ACMG Guidelines, 2015. Collection method: clinical testing. Allele origin: germline. Inheritance: Autosomal recessive inheritance. Observed: 8 variant alleles, 8 heterozygotes.
Comment: This study involves interpretation of variants in research participants for the purpose of population health screening. Participant phenotype was not available at the time of variant classification. Additional details can be found in publication PMID: 35346344, PMCID: PMC8962531

Blueprint Genetics
Classification: Likely benign. Last evaluated: 2023-09-15. Review status: criteria provided, single submitter. Criteria: ACMG Guidelines, 2015. Collection method: clinical testing. Allele origin: germline.

Color Diagnostics, LLC DBA Color Health
Classification: Likely benign for Wilson disease. Last evaluated: 2022-05-26. Review status: criteria provided, single submitter. Criteria: ACMG Guidelines, 2015. Collection method: clinical testing. Allele origin: germline.

Ambry Genetics
Classification: Likely benign for Inborn genetic diseases. Last evaluated: 2020-05-06. Review status: criteria provided, single submitter. Criteria: Ambry Variant Classification Scheme 2023. Collection method: clinical testing. Allele origin: germline.